The following is an entry in ClinVar:

ClinVar aggregate classification (germline): Likely pathogenic (1 of 4 stars; one submission).

Conditions:
Nemaline myopathy 2 (NEM2). Also called: Nemaline myopathy 2, autosomal recessive. Identifiers: MedGen C1850569, MONDO:0009725, OMIM 256030.

Submission:

Myriad Genetics, Inc.
Classification: Likely pathogenic for Nemaline myopathy 2. Last evaluated: 2022-03-15. Review status: criteria provided, single submitter. Criteria: Myriad Women's Health Autosomal Recessive and X-Linked Classification Criteria (2021). Collection method: clinical testing. Allele origin: unknown.
Comment: NM_001271208.1(NEB):c.2560_2561ins16(K854Mfs*4) is expected to be pathogenic in the context of NEB-related nemaline myopathy. This variant is predicted to lead to an abnormal or absent protein product due to the creation of a premature termination codon in NEB, a gene where loss-of-function variants are known to be pathogenic. Please note: this variant was assessed in the context of healthy population screening.

NM_001164508.2(NEB):c.2560_2561insTGAAATATTGATACAC (p.Lys854delinsMetLysTyrTer)

Gene: NEB (nebulin; minus strand). Cytogenetic location: 2q23.3.
Variant type: Insertion.
Coding change: c.2560_2561insTGAAATATTGATACAC on transcript NM_001164508.2 (MANE Select); coding-DNA positions 2560 to 2561, TGAAATATTGATACAC inserted.
Protein change: p.Lys854delinsMetLysTyrTer.
Molecular consequence: nonsense.
Genome position: GRCh38 VCF-style: chr2-151687495-T-TGTGTATCAATATTTCA. GRCh37 (hg19) VCF-style: chr2-152544009-T-TGTGTATCAATATTTCA.
Other names: c.2560_2561insTGAAATATTGATACAC, p.Lys854delinsMetLysTyrTer (NM_001164507.2, NM_001271208.2, NM_004543.5).
Identifiers: ClinVar variation 1725235 (VCV001725235.2), dbSNP rs2552266102, ClinGen allele CA2580064068.